The following continues an entry in ClinVar:

NM_000169.3(GLA):c.619T>C (p.Tyr207His)

ClinVar aggregate classification (germline): Conflicting classifications of pathogenicity. Likely pathogenic (1); Uncertain significance (11).

Submissions 10 to 12 of 12:

Broad Center for Mendelian Genomics, Broad Institute of MIT and Harvard
Classification: Uncertain significance for Fabry disease. Last evaluated: 2020-01-22. Review status: criteria provided, single submitter. Criteria: ACMG Guidelines, 2015. Collection method: curation. Allele origin: germline. Inheritance: X-linked inheritance.
Comment: The p.Tyr207His variant in GLA has not been previously reported individuals with Fabr disease but has been identified in 0.05% (6/12013) of African chromosomes, including 4 hemizygotes, by the Genome Aggregation Database (gnomAD). This variant has also been reported in ClinVar (ID: 167141) as likely pathogenic by GeneDx and as a VUS by EGL Genetic Diagnostics. Computational prediction tools and conservation analyses suggest that this variant may impact the protein, though this information is not predictive enough to determine pathogenicity. Multiple variants in the same region as p.Tyr207His have been reported in association with disease in ClinVar and the literature, and the variant is located in a region of GLA that forms the active site of the enzyme, suggesting that this variant is in a mutational hotspot and functional domain and supports pathogenicity (PMID: 27560961, 19287194; Variation ID: 585078, 197113). In summary, the clinical significance of the p.Tyr207His variant is uncertain. ACMG/AMP Criteria applied: BS1, PM1, PP3, PM5_Supporting (Richards 2015).

X-linked inheritance (primarily recessive with milder female expression)

GeneDx
Classification: Likely pathogenic. Last evaluated: 2017-01-18. Review status: criteria provided, single submitter. Criteria: GeneDx Variant Classification (06012015). Collection method: clinical testing. Allele origin: germline. Affected: yes.
Comment: The Y207H variant in the GLA gene has not been reported previously as a pathogenic variant, nor as a benign variant, to our knowledge. However, other missense alterations affecting this residue (Y207S and Y207C) have been reported in association with classic Fabry disease (Shabbeer et al., 2002; Benjamin et al., 2009); in vitro assays demonstrated that the Y207S and Y207C variants significantly diminish alpha-galactosidase-A enzyme activity as compared to the wild-type allele (Wu et al., 2011; Benjamin et al., 2009). Additionally, missense variants in nearby residues (C202YW, W204C, P205T, P205L, P205R, P210S, P210L) have been reported in the Human Gene Mutation Database in association with Fabry disease (Stenson et al., 2014), supporting the functional importance of this region of the protein. The Y207H variant was not observed at any significant frequency in approximately 6500 individuals of European and African American ancestry in the NHLBI Exome Sequencing Project, indicating it is not a common benign variant in these populations. The Y207H variant is a non-conservative amino acid substitution, which is likely to impact secondary protein structure as these residues differ in polarity, charge, size and/or other properties. This substitution occurs at a position that is conserved across species. In silico analysis predicts this variant is probably damaging to the protein structure/function. Based on the information available, the Y207H variant is a strong candidate for a pathogenic variant, however the possibility it may be a rare benign variant cannot be excluded.

Eurofins Ntd Llc (ga)
Classification: Uncertain significance. Last evaluated: 2016-05-18. Review status: criteria provided, single submitter. Criteria: EGL Classification Definitions 2015. Collection method: clinical testing. Allele origin: germline. Observed: 4 variant alleles, 2 heterozygotes, 2 hemizygotes.

Literature cited by the submitters: PubMed 27657681 (cited by Genomenon, Inc and Labcorp Genetics (formerly Invitae), Labcorp); PubMed 19387866 (cited by Labcorp Genetics (formerly Invitae), Labcorp and Ambry Genetics); PubMed 21598360 (cited by Labcorp Genetics (formerly Invitae), Labcorp); PubMed 12175777 (cited by Ambry Genetics).